The following is an entry in ClinVar:

ClinVar aggregate classification (germline): Likely benign (1 of 4 stars; one submission).

Allele frequency attached by ClinVar (database versions not stated): ExAC 0.00001; gnomAD 0.00001; gnomAD exomes 0.00001; TOPMed 0.00002.
gnomAD v4.1: 13 of 1,612,426 alleles (0.00081%); highest among the groups gnomAD compares: Admixed American, 0.005%; no homozygotes.

Submission:

CeGaT Center for Human Genetics Tuebingen
Classification: Likely benign. Last evaluated: 2022-03-01. Review status: criteria provided, single submitter. Criteria: CeGaT Center For Human Genetics Tuebingen Variant Classification Criteria Version 2. Collection method: clinical testing. Allele origin: germline. Affected: yes. Observed: 1 variant allele.
Comment: CACNA1B: BP4, BP7

NM_000718.4(CACNA1B):c.6615G>A (p.Thr2205=)

Gene: CACNA1B (calcium voltage-gated channel subunit alpha1 B; plus strand). Cytogenetic location: 9q34.3.
Variant type: single nucleotide variant.
Coding change: c.6615G>A on transcript NM_000718.4 (MANE Select); coding-DNA position 6615, G replaced by A.
Protein change: p.Thr2205=; no amino-acid change (threonine 2205 retained).
Molecular consequence: synonymous variant. On other transcripts: intron variant (1).
Genome position (GRCh38, 1-based): chr9:138,121,594, G>A. VCF-style: chr9-138121594-G-A. GRCh37 (hg19) VCF-style: chr9-141016046-G-A.
Other names: c.6490-62G>A (NM_001243812.2).
Identifiers: ClinVar variation 1676139 (VCV001676139.33), dbSNP rs768086614, ClinGen allele CA5377774.